The following is an entry in ClinVar:

NM_006947.4(SRP72):c.484G>T (p.Glu162Ter)

Gene: SRP72 (signal recognition particle 72; plus strand). Cytogenetic location: 4q12.
Variant type: single nucleotide variant.
Coding change: c.484G>T on transcript NM_006947.4 (MANE Select); coding-DNA position 484, G replaced by T.
Protein change: p.Glu162Ter; replaces glutamic acid 162 with a stop codon.
Molecular consequence: nonsense. On other transcripts: non-coding transcript variant (1).
Genome position (GRCh38, 1-based): chr4:56,474,183, G>T. VCF-style: chr4-56474183-G-T. GRCh37 (hg19) VCF-style: chr4-57340349-G-T.
Other names: c.484G>T, p.Glu162Ter (NM_001267722.2); short protein forms E162*.
Identifiers: ClinVar variation 3724780 (VCV003724780.2).

ClinVar aggregate classification (germline): Uncertain significance (1 of 4 stars; one submission).

gnomAD v4.1: 1 of 1,613,680 alleles (0.000062%); highest among the groups gnomAD compares: Non-Finnish European, 0.000085%; no homozygotes.

Submission:

Labcorp Genetics (formerly Invitae), Labcorp
Classification: Uncertain significance. Last evaluated: 2024-11-18. Review status: criteria provided, single submitter. Criteria: Invitae Variant Classification Sherloc (09022015). Collection method: clinical testing. Allele origin: germline.
Comment: This sequence change creates a premature translational stop signal (p.Glu162*) in the SRP72 gene. It is expected to result in an absent or disrupted protein product. However, the current clinical and genetic evidence is not sufficient to establish whether loss-of-function variants in SRP72 cause disease. This variant is not present in population databases (gnomAD no frequency). This variant has not been reported in the literature in individuals affected with SRP72-related conditions. Algorithms developed to predict the effect of sequence changes on RNA splicing suggest that this variant may create or strengthen a splice site. In summary, the available evidence is currently insufficient to determine the role of this variant in disease. Therefore, it has been classified as a Variant of Uncertain Significance.